The following is an entry in ClinVar:

NM_178526.5(SLC25A42):c.421G>C (p.Ala141Pro)

Gene: SLC25A42 (solute carrier family 25 member 42; plus strand). Cytogenetic location: 19p13.11.
Variant type: single nucleotide variant.
Coding change: c.421G>C on transcript NM_178526.5 (MANE Select); coding-DNA position 421, G replaced by C.
Protein change: p.Ala141Pro; replaces alanine 141 with proline.
Molecular consequence: missense variant.
Genome position (GRCh38, 1-based): chr19:19,106,309, G>C. VCF-style: chr19-19106309-G-C. GRCh37 (hg19) VCF-style: chr19-19217118-G-C.
Other names: c.421G>C, p.Ala141Pro (NM_001321544.2); short protein forms A141P.
Identifiers: ClinVar variation 4742312 (VCV004742312.1).

ClinVar aggregate classification (germline): Uncertain significance (1 of 4 stars; one submission).

Submission:

Labcorp Genetics (formerly Invitae), Labcorp
Classification: Uncertain significance. Last evaluated: 2025-07-25. Review status: criteria provided, single submitter. Criteria: Invitae Variant Classification Sherloc (09022015). Collection method: clinical testing. Allele origin: germline.
Comment: This sequence change replaces alanine, which is neutral and non-polar, with proline, which is neutral and non-polar, at codon 141 of the SLC25A42 protein (p.Ala141Pro). This variant is not present in population databases (gnomAD no frequency). This variant has not been reported in the literature in individuals affected with SLC25A42-related conditions. Invitae Evidence Modeling of protein sequence and biophysical properties (such as structural, functional, and spatial information, amino acid conservation, physicochemical variation, residue mobility, and thermodynamic stability) indicates that this missense variant is expected to disrupt SLC25A42 protein function with a positive predictive value of 80%. In summary, the available evidence is currently insufficient to determine the role of this variant in disease. Therefore, it has been classified as a Variant of Uncertain Significance.